The following is an entry in ClinVar:

NM_001033044.4(GLUL):c.-14+887_-14+889del

Gene: GLUL (glutamate-ammonia ligase; minus strand). Cytogenetic location: 1q25.3.
Variant type: Deletion.
Coding change: c.-14+887_-14+889del on transcript NM_001033044.4 (MANE Select); bases 887 to 889 of the intron after 14 bases upstream of the start codon, 3 bases deleted (AAC; older notation c.-14+887_-14+889delAAC).
Molecular consequence: intron variant. On other transcripts: 5 prime UTR variant (1).
Genome position (GRCh38, 1-based): chr1:182,390,790-182,390,792, GTT deleted on the plus strand (AAC on the coding strand, the reverse complement: GLUL is on the minus strand); deleting any 3 consecutive bases within chr1:182,390,790-182,390,794 gives the same sequence; the c. name uses the placement nearest the transcript's 3' end. VCF-style (leftmost placement, unchanged base first): chr1-182390789-CGTT-C. GRCh37 (hg19) VCF-style: chr1-182359924-CGTT-C.
Other names: c.-309_-307del (NM_002065.7); c.-14+383_-14+385del (NM_001033056.4).
Identifiers: ClinVar variation 3777913 (VCV003777913.7).

ClinVar aggregate classification (germline): Likely benign (1 of 4 stars; one submission).

Submission:

CeGaT Center for Human Genetics Tuebingen
Classification: Likely benign. Last evaluated: 2026-09-01. Review status: criteria provided, single submitter. Criteria: CeGaT Center For Human Genetics Tuebingen Variant Classification Criteria Version 2. Collection method: clinical testing. Allele origin: germline. Affected: yes. Observed: 6 variant alleles.
Comment: GLUL: PM4:Supporting, BS2